The following is an entry in ClinVar:

NM_001369.3(DNAH5):c.11401A>G (p.Ile3801Val)

Gene: DNAH5 (dynein axonemal heavy chain 5; minus strand). Cytogenetic location: 5p15.2.
Variant type: single nucleotide variant.
Coding change: c.11401A>G on transcript NM_001369.3 (MANE Select); coding-DNA position 11401, A replaced by G.
Protein change: p.Ile3801Val; replaces isoleucine 3801 with valine.
Molecular consequence: missense variant.
Genome position (GRCh38, 1-based): chr5:13,737,306, T>C on the plus strand (A>G on the coding strand, the complement: DNAH5 is on the minus strand). VCF-style: chr5-13737306-T-C. GRCh37 (hg19) VCF-style: chr5-13737415-T-C.
Other names: short protein forms I3801V.
Identifiers: ClinVar variation 639968 (VCV000639968.12), dbSNP rs750831635, ClinGen allele CA3201984.

ClinVar aggregate classification (germline): Uncertain significance. Review status: criteria provided, multiple submitters, no conflicts (2 of 4 stars). 4 submissions from 4 submitters: Uncertain significance (3). 1 of the submissions does not count toward it. Last evaluated 2024-08-31.

Conditions:
Primary ciliary dyskinesia. Also called: Ciliary dyskinesia. Identifiers: Orphanet 244, MedGen C0008780, MONDO:0016575, HP:0012265.

Allele frequency attached by ClinVar (database versions not stated): ExAC 0.00001; gnomAD exomes 0.00001 and 0.00002; TOPMed 0.00001.
gnomAD v4.1: 13 of 1,614,134 alleles (0.00081%); highest among the groups gnomAD compares: Non-Finnish European, 0.0011%; no homozygotes.

Submissions (4):

Ambry Genetics
Classification: Uncertain significance for Primary ciliary dyskinesia. Last evaluated: 2024-08-31. Review status: criteria provided, single submitter. Criteria: Ambry Variant Classification Scheme 2023. Collection method: clinical testing. Allele origin: germline.
Comment: The p.I3801V variant (also known as c.11401A>G), located in coding exon 66 of the DNAH5 gene, results from an A to G substitution at nucleotide position 11401. The isoleucine at codon 3801 is replaced by valine, an amino acid with highly similar properties. This amino acid position is conserved. In addition, this alteration is predicted to be tolerated by in silico analysis. Based on the available evidence, the clinical significance of this variant remains unclear.

GeneDx
Classification: Uncertain significance. Last evaluated: 2022-08-22. Review status: criteria provided, single submitter. Criteria: GeneDx Variant Classification Process June 2021. Collection method: clinical testing. Allele origin: germline. Affected: yes.
Comment: Not observed at significant frequency in large population cohorts (gnomAD); In silico analysis supports that this missense variant does not alter protein structure/function; Has not been previously published as pathogenic or benign to our knowledge

Labcorp Genetics (formerly Invitae), Labcorp
Classification: Uncertain significance for Primary ciliary dyskinesia. Last evaluated: 2022-07-05. Review status: criteria provided, single submitter. Criteria: Invitae Variant Classification Sherloc (09022015). Collection method: clinical testing. Allele origin: germline.
Comment: This sequence change replaces isoleucine, which is neutral and non-polar, with valine, which is neutral and non-polar, at codon 3801 of the DNAH5 protein (p.Ile3801Val). This variant is present in population databases (rs750831635, gnomAD 0.003%). This variant has not been reported in the literature in individuals affected with DNAH5-related conditions. ClinVar contains an entry for this variant (Variation ID: 639968). Advanced modeling of protein sequence and biophysical properties (such as structural, functional, and spatial information, amino acid conservation, physicochemical variation, residue mobility, and thermodynamic stability) performed at Invitae indicates that this missense variant is not expected to disrupt DNAH5 protein function. In summary, the available evidence is currently insufficient to determine the role of this variant in disease. Therefore, it has been classified as a Variant of Uncertain Significance.

Natera, Inc.
Classification: Uncertain significance for Primary ciliary dyskinesia. Last evaluated: 2020-08-05. Review status: no assertion criteria provided. Collection method: clinical testing. Allele origin: germline. Not counted in ClinVar's aggregate classification.